The following is an entry in ClinVar:

ClinVar aggregate classification (germline): Uncertain significance. Review status: criteria provided, multiple submitters, no conflicts (2 of 4 stars). 2 submissions from 2 submitters: Uncertain significance (2). Last evaluated 2025-12-01.

Conditions:
Congenital myopathy with internal nuclei and atypical cores. Also called: Myopathy, centronuclear, 4. Identifiers: Orphanet 319160, MedGen C4707232, MONDO:0013890, OMIM 614807.

Allele frequency attached by ClinVar (database versions not stated): gnomAD exomes below 0.00001; gnomAD 0.00001; TOPMed 0.00001.
gnomAD v4.1: 9 of 1,611,404 alleles (0.00056%); highest among the groups gnomAD compares: Admixed American, 0.0017%; no homozygotes.

Submissions (2):

Labcorp Genetics (formerly Invitae), Labcorp
Classification: Uncertain significance for Congenital myopathy with internal nuclei and atypical cores. Last evaluated: 2025-12-01. Review status: criteria provided, single submitter. Criteria: Invitae Variant Classification Sherloc (09022015). Collection method: clinical testing. Allele origin: germline.
Comment: This sequence change replaces histidine, which is basic and polar, with tyrosine, which is neutral and polar, at codon 73 of the CCDC78 protein (p.His73Tyr). This variant is present in population databases (no rsID available, gnomAD 0.003%). This variant has not been reported in the literature in individuals affected with CCDC78-related conditions. ClinVar contains an entry for this variant (Variation ID: 581995). Invitae Evidence Modeling of protein sequence and biophysical properties (such as structural, functional, and spatial information, amino acid conservation, physicochemical variation, residue mobility, and thermodynamic stability) indicates that this missense variant is not expected to disrupt CCDC78 protein function with a negative predictive value of 80%. In summary, the available evidence is currently insufficient to determine the role of this variant in disease. Therefore, it has been classified as a Variant of Uncertain Significance.

Revvity Omics, Revvity
Classification: Uncertain significance for Congenital myopathy with internal nuclei and atypical cores. Last evaluated: 2024-03-28. Review status: criteria provided, single submitter. Criteria: ACMG Guidelines, 2015. Collection method: clinical testing. Allele origin: germline.

NM_001378030.1(CCDC78):c.217C>T (p.His73Tyr)

Gene: CCDC78 (coiled-coil domain containing 78; minus strand). Cytogenetic location: 16p13.3.
Variant type: single nucleotide variant.
Coding change: c.217C>T on transcript NM_001378030.1 (MANE Select); coding-DNA position 217, C replaced by T.
Protein change: p.His73Tyr; replaces histidine 73 with tyrosine.
Molecular consequence: missense variant. On other transcripts: 5 prime UTR variant (1), non-coding transcript variant (5).
Genome position (GRCh38, 1-based): chr16:725,844, G>A on the plus strand (C>T on the coding strand, the complement: CCDC78 is on the minus strand). VCF-style: chr16-725844-G-A. GRCh37 (hg19) VCF-style: chr16-775844-G-A.
Other names: c.217C>T, p.His73Tyr (NM_001031737.3, NM_001378031.1); c.-69C>T (NM_001378033.1); short protein forms H73Y.
Identifiers: ClinVar variation 581995 (VCV000581995.10), dbSNP rs1477528084, ClinGen allele CA394104760.